The following is an entry in ClinVar:

ClinVar aggregate classification (germline): Benign/Likely benign. Review status: criteria provided, multiple submitters, no conflicts (2 of 4 stars). 3 submissions from 3 submitters: Benign (1); Likely benign (2). Last evaluated 2020-02-27.

Conditions:
Cystic fibrosis (CF). Also called: MUCOVISCIDOSIS. Identifiers: Orphanet 586, MedGen C0010674, MONDO:0009061, OMIM 219700. Disease mechanism: loss of function.

Allele frequency attached by ClinVar (database versions not stated): 1000 Genomes Project 0.00120; gnomAD 0.00223 and 0.00226; ExAC 0.00245; TOPMed 0.00204; ESP Exome Variant Server 0.00254; gnomAD exomes 0.00216; 1000 Genomes Project 30x 0.00141.
gnomAD v4.1: 4,813 of 1,476,608 alleles (0.33%); highest among the groups gnomAD compares: Non-Finnish European, 0.4%; 15 homozygotes.

Submissions (3):

ARUP Laboratories, Molecular Genetics and Genomics, ARUP Laboratories
Classification: Likely benign. Last evaluated: 2020-02-27. Review status: criteria provided, single submitter. Criteria: ARUP Molecular Germline Variant Investigation Process. Collection method: clinical testing. Allele origin: germline.

Quest Diagnostics Nichols Institute San Juan Capistrano
Classification: Likely benign. Last evaluated: 2019-12-13. Review status: criteria provided, single submitter. Criteria: Quest Diagnostics criteria. Collection method: clinical testing. Allele origin: unknown.

CFTR-France
Classification: Benign for cystic fibrosis. Last evaluated: 2018-01-29. Review status: criteria provided, single submitter. Criteria: Claustres M et al. (Hum Mutat 2017). Collection method: curation. Allele origin: germline. Affected: no.
Comment: the variant does not result in CFTR-RD neither

Literature cited by the submitters: PubMed 26436105 (cited by Quest Diagnostics Nichols Institute San Juan Capistrano); PubMed 17662673 (cited by Quest Diagnostics Nichols Institute San Juan Capistrano); PubMed 28603918 (cited by Quest Diagnostics Nichols Institute San Juan Capistrano); PubMed 10601093 (cited by Quest Diagnostics Nichols Institute San Juan Capistrano).

NM_000492.4(CFTR):c.3367+37G>A

Genes: CFTR (CF transmembrane conductance regulator; plus strand), CFTR-AS2 (CFTR antisense RNA 2; minus strand), LOC111674472 (DNase I hypersensitive sites in introns 16 and 17a of CFTR; plus strand). Cytogenetic location: 7q31.2.
Variant type: single nucleotide variant.
Coding change: c.3367+37G>A on transcript NM_000492.4 (MANE Select); 37 bases into the intron after coding-DNA position 3367, G replaced by A.
Molecular consequence: intron variant.
Genome position (GRCh38, 1-based): chr7:117,611,845, G>A. VCF-style: chr7-117611845-G-A. GRCh37 (hg19) VCF-style: chr7-117251899-G-A.
Identifiers: ClinVar variation 439073 (VCV000439073.13), dbSNP rs137854873, ClinGen allele CA4451434.